The following is an entry in ClinVar:

ClinVar aggregate classification (germline): Uncertain significance. Review status: criteria provided, multiple submitters, no conflicts (2 of 4 stars). 2 submissions from 2 submitters: Uncertain significance (2). Last evaluated 2024-09-25.

Conditions:
Inborn genetic diseases. Identifiers: MedGen C0950123, MeSH D030342.

Allele frequency attached by ClinVar (database versions not stated): ExAC 0.00001; TOPMed 0.00002; gnomAD 0.00003; gnomAD exomes 0.00003.

Submissions (2):

Ambry Genetics
Classification: Uncertain significance for Inborn genetic diseases. Last evaluated: 2024-09-25. Review status: criteria provided, single submitter. Criteria: Ambry Variant Classification Scheme 2023. Collection method: clinical testing. Allele origin: germline.

Labcorp Genetics (formerly Invitae), Labcorp
Classification: Uncertain significance. Last evaluated: 2022-07-07. Review status: criteria provided, single submitter. Criteria: Invitae Variant Classification Sherloc (09022015). Collection method: clinical testing. Allele origin: germline.
Comment: This sequence change replaces arginine, which is basic and polar, with histidine, which is basic and polar, at codon 638 of the SLC34A1 protein (p.Arg638His). This variant is present in population databases (rs757445527, gnomAD 0.006%). This variant has not been reported in the literature in individuals affected with SLC34A1-related conditions. Algorithms developed to predict the effect of missense changes on protein structure and function output the following: SIFT: "Deleterious"; PolyPhen-2: "Benign"; Align-GVGD: "Class C0". The histidine amino acid residue is found in multiple mammalian species, which suggests that this missense change does not adversely affect protein function. In summary, the available evidence is currently insufficient to determine the role of this variant in disease. Therefore, it has been classified as a Variant of Uncertain Significance.

NM_003052.5(SLC34A1):c.1913G>A (p.Arg638His)

Gene: SLC34A1 (solute carrier family 34 member 1; plus strand). Cytogenetic location: 5q35.3.
Variant type: single nucleotide variant.
Coding change: c.1913G>A on transcript NM_003052.5 (MANE Select); coding-DNA position 1913, G replaced by A.
Protein change: p.Arg638His; replaces arginine 638 with histidine.
Molecular consequence: missense variant.
Genome position (GRCh38, 1-based): chr5:177,398,279, G>A. VCF-style: chr5-177398279-G-A. GRCh37 (hg19) VCF-style: chr5-176825280-G-A.
Other names: c.1913G>A (NM_003052.4); short protein forms R638H.
Identifiers: ClinVar variation 1909800 (VCV001909800.3), dbSNP rs757445527, ClinGen allele CA3580914.